The following is an entry in ClinVar:

ClinVar aggregate classification (germline): Benign/Likely benign. Review status: criteria provided, multiple submitters, no conflicts (2 of 4 stars). 3 submissions from 3 submitters: Benign (1); Likely benign (2). Last evaluated 2025-10-20.

Conditions:
Hereditary cancer-predisposing syndrome. Also called: Hereditary neoplastic syndrome; Hereditary Cancer Syndrome; Neoplastic Syndromes, Hereditary; Tumor predisposition. Identifiers: Orphanet 140162, MedGen C0027672, MeSH D009386, MONDO:0015356.
Melanoma-pancreatic cancer syndrome. Identifiers: Orphanet 404560, MedGen C1838547, MONDO:0011713, OMIM 606719. Disease mechanism: loss of function.
Familial melanoma. Also called: Hereditary melanoma; Hereditary cutaneous melanoma. Identifiers: Orphanet 618, MedGen C1512419, MONDO:0018961.

Submissions (3):

Labcorp Genetics (formerly Invitae), Labcorp
Classification: Likely benign for Familial melanoma. Last evaluated: 2025-10-20. Review status: criteria provided, single submitter. Criteria: Invitae Variant Classification Sherloc (09022015). Collection method: clinical testing. Allele origin: germline.

Myriad Genetics, Inc.
Classification: Benign for Melanoma-pancreatic cancer syndrome. Last evaluated: 2025-08-13. Review status: criteria provided, single submitter. Criteria: Myriad Autosomal Dominant, Autosomal Recessive and X-Linked Classification Criteria (2023). Collection method: clinical testing. Allele origin: unknown.
Comment: This variant is considered benign. This variant is a silent/synonymous amino acid change and it is not expected to impact splicing.

Ambry Genetics
Classification: Likely benign for Hereditary cancer-predisposing syndrome. Last evaluated: 2019-05-29. Review status: criteria provided, single submitter. Criteria: Ambry Variant Classification Scheme 2023. Collection method: clinical testing. Allele origin: germline.

NM_000077.5(CDKN2A):c.18G>T (p.Gly6=)

Gene: CDKN2A (cyclin dependent kinase inhibitor 2A; minus strand). Cytogenetic location: 9p21.3.
Variant type: single nucleotide variant.
Coding change: c.18G>T on transcript NM_000077.5; coding-DNA position 18, G replaced by T.
Protein change: p.Gly6=; no amino-acid change (glycine 6 retained).
Molecular consequence: synonymous variant (on NM_000077.6). On other transcripts: intron variant (2).
Genome position (GRCh38, 1-based): chr9:21,974,810, C>A on the plus strand (G>T on the coding strand, the complement: CDKN2A is on the minus strand). VCF-style: chr9-21974810-C-A. GRCh37 (hg19) VCF-style: chr9-21974809-C-A.
Other names: c.18G>T, p.Gly6= (NM_000077.6, NM_001195132.2, NM_058197.5); c.-3-3602G>T (NM_001363763.2); c.194-3602G>T (NM_058195.4).
Identifiers: ClinVar variation 936691 (VCV000936691.13), dbSNP rs1819965928, ClinGen allele CA464100208.